The following is an entry in ClinVar:

ClinVar aggregate classification (germline): Uncertain significance (1 of 4 stars; one submission).

Conditions:
Bardet-Biedl syndrome (BBS). Identifiers: Orphanet 110, MedGen C0752166, MONDO:0015229.

Allele frequency attached by ClinVar (database versions not stated): TOPMed below 0.00001.

Submission:

Labcorp Genetics (formerly Invitae), Labcorp
Classification: Uncertain significance for Bardet-Biedl syndrome. Last evaluated: 2021-08-28. Review status: criteria provided, single submitter. Criteria: Invitae Variant Classification Sherloc (09022015). Collection method: clinical testing. Allele origin: germline.
Comment: This sequence change replaces methionine with leucine at codon 433 of the BBS10 protein (p.Met433Leu). The methionine residue is weakly conserved and there is a small physicochemical difference between methionine and leucine. This variant is not present in population databases (ExAC no frequency). This variant has not been reported in the literature in individuals affected with BBS10-related conditions. Algorithms developed to predict the effect of missense changes on protein structure and function output the following: SIFT: "Tolerated"; PolyPhen-2: "Benign"; Align-GVGD: "Class C0". The leucine amino acid residue is found in multiple mammalian species, which suggests that this missense change does not adversely affect protein function. In summary, the available evidence is currently insufficient to determine the role of this variant in disease. Therefore, it has been classified as a Variant of Uncertain Significance.

NM_024685.4(BBS10):c.1297A>T (p.Met433Leu)

Gene: BBS10 (Bardet-Biedl syndrome 10; minus strand). Cytogenetic location: 12q21.2.
Variant type: single nucleotide variant.
Coding change: c.1297A>T on transcript NM_024685.4 (MANE Select); coding-DNA position 1297, A replaced by T.
Protein change: p.Met433Leu; replaces methionine 433 with leucine.
Molecular consequence: missense variant.
Genome position (GRCh38, 1-based): chr12:76,346,688, T>A on the plus strand (A>T on the coding strand, the complement: BBS10 is on the minus strand). VCF-style: chr12-76346688-T-A. GRCh37 (hg19) VCF-style: chr12-76740468-T-A.
Other names: short protein forms M433L.
Identifiers: ClinVar variation 1385341 (VCV001385341.5), dbSNP rs987403283, ClinGen allele CA385811672.
Genomic context (GRCh38, chr12:76,346,688, plus strand): 5'-CTCCACTGTTCTTATAAATAAAAAGACTTGAAGTGCCATTTTGGTCATTGGTTTGTGTCA[T>A]GTAATTTAGATCAAGGTCTTTAAATAATTGCCGAAGCATTTTAAGTGCTCCATGTAAAGC-3'
Protein context (NP_078961.3, residues 423-443): QLFKDLDLNY[Met433Leu]TQTNDQNGTS